The following is an entry in ClinVar:

NM_016151.4(TAOK2):c.1616C>T (p.Ala539Val)

Gene: TAOK2 (TAO kinase 2; plus strand). Cytogenetic location: 16p11.2.
Variant type: single nucleotide variant.
Coding change: c.1616C>T on transcript NM_016151.4 (MANE Select); coding-DNA position 1616, C replaced by T.
Protein change: p.Ala539Val; replaces alanine 539 with valine.
Molecular consequence: missense variant.
Genome position (GRCh38, 1-based): chr16:29,985,406, C>T. VCF-style: chr16-29985406-C-T. GRCh37 (hg19) VCF-style: chr16-29996727-C-T.
Other names: c.1616C>T, p.Ala539Val (NM_001252043.2, NM_004783.4); short protein forms A539V.
Identifiers: ClinVar variation 3697580 (VCV003697580.2).

ClinVar aggregate classification (germline): Uncertain significance (1 of 4 stars; one submission).

Submission:

Labcorp Genetics (formerly Invitae), Labcorp
Classification: Uncertain significance. Last evaluated: 2024-04-22. Review status: criteria provided, single submitter. Criteria: Invitae Variant Classification Sherloc (09022015). Collection method: clinical testing. Allele origin: germline.
Comment: This sequence change replaces alanine, which is neutral and non-polar, with valine, which is neutral and non-polar, at codon 539 of the TAOK2 protein (p.Ala539Val). This variant is not present in population databases (gnomAD no frequency). This variant has not been reported in the literature in individuals affected with TAOK2-related conditions. An algorithm developed to predict the effect of missense changes on protein structure and function (PolyPhen-2) suggests that this variant is likely to be tolerated. In summary, the available evidence is currently insufficient to determine the role of this variant in disease. Therefore, it has been classified as a Variant of Uncertain Significance.